The following is an entry in ClinVar:

NM_001267550.2(TTN):c.54167G>A (p.Arg18056Gln)

Genes: TTN (titin; minus strand), TTN-AS1 (TTN antisense RNA 1; plus strand). Cytogenetic location: 2q31.2.
Variant type: single nucleotide variant.
Coding change: c.54167G>A on transcript NM_001267550.2 (MANE Select); coding-DNA position 54167, G replaced by A.
Protein change: p.Arg18056Gln; replaces arginine 18056 with glutamine.
Molecular consequence: missense variant. On other transcripts: non-coding transcript variant (1).
Genome position (GRCh38, 1-based): chr2:178,605,010, C>T on the plus strand (G>A on the coding strand, the complement: TTN is on the minus strand). VCF-style: chr2-178605010-C-T. GRCh37 (hg19) VCF-style: chr2-179469737-C-T.
Other names: p.Arg16415Gln; c.46463G>A, p.Arg15488Gln (NM_133378.4); c.49244G>A, p.Arg16415Gln (NM_001256850.1); c.26972G>A, p.Arg8991Gln (NM_003319.4); c.27347G>A, p.Arg9116Gln (NM_133432.3); c.27548G>A, p.Arg9183Gln (NM_133437.4); short protein forms R18056Q, R15488Q, R8991Q, R16415Q, R9183Q, R9116Q.
Identifiers: ClinVar variation 47084 (VCV000047084.38), dbSNP rs376932266, ClinGen allele CA139959.

ClinVar aggregate classification (germline): Uncertain significance. Review status: criteria provided, multiple submitters, no conflicts (2 of 4 stars). 9 submissions from 9 submitters: Uncertain significance (9). Last evaluated 2026-01-26.

Conditions:
TTN-related disorder. Also called: TTN-related condition; TTN-related disease; TTN-related disorders.
Dilated cardiomyopathy 1G (CMD1G). Identifiers: Orphanet 154, MedGen C1858763, MONDO:0011400, OMIM 604145.
Autosomal recessive limb-girdle muscular dystrophy type 2J (LGMDR10). Also called: Limb-girdle muscular dystrophy, type 2J; MUSCULAR DYSTROPHY, LIMB-GIRDLE, AUTOSOMAL RECESSIVE 10. Identifiers: Orphanet 140922, MedGen C1837342, MONDO:0012127, OMIM 608807.
Myopathy, myofibrillar, 9, with early respiratory failure (MFM9). Also called: Hereditary myopathy with early respiratory failure; Myopathy, distal, with early respiratory failure, autosomal dominant; EDSTROM MYOPATHY; MYOPATHY, PROXIMAL, WITH EARLY RESPIRATORY MUSCLE INVOLVEMENT. Identifiers: Orphanet 178464, Orphanet 34521, MedGen C1863599, MONDO:0011362, OMIM 603689.
Tibial muscular dystrophy (TMD). Also called: Udd Distal Myopathy – Tibial Muscular Dystrophy; Tibial muscular dystrophy, tardive; UDD MYOPATHY. Identifiers: Orphanet 609, MedGen C1838244, MONDO:0010870, OMIM 600334.
Early-onset myopathy with fatal cardiomyopathy (CMYO5). Also called: Salih Myopathy; CONGENITAL MYOPATHY 5 WITH CARDIOMYOPATHY. Identifiers: Orphanet 289377, MedGen C2673677, MONDO:0012714, OMIM 611705. Disease mechanism: loss of function.
Hypertrophic cardiomyopathy 9. Also called: Familial hypertrophic cardiomyopathy 9. Identifiers: MedGen C1861065, MONDO:0013412, OMIM 613765.

Allele frequency attached by ClinVar (database versions not stated): gnomAD exomes 0.00001 and 0.00002; ExAC 0.00003; TOPMed 0.00003; gnomAD 0.00005; ESP Exome Variant Server 0.00008.
gnomAD v4.1: 42 of 1,599,844 alleles (0.0026%); highest among the groups gnomAD compares: South Asian, 0.0034%; no homozygotes.

Submissions (9):

PreventionGenetics, part of Exact Sciences
Classification: Uncertain significance for TTN-related condition. Last evaluated: 2026-01-26. Review status: criteria provided, single submitter. Criteria: ACMG Guidelines, 2015. Collection method: clinical testing. Allele origin: germline.
Comment: The TTN c.54167G>A variant is predicted to result in the amino acid substitution p.Arg18056Gln. To our knowledge, this variant has not been reported in the literature. This variant is reported in 0.0070% of alleles in individuals of South Asian descent in gnomAD. At this time, the clinical significance of this variant is uncertain due to the absence of conclusive functional and genetic evidence.

CeGaT Center for Human Genetics Tuebingen
Classification: Uncertain significance. Last evaluated: 2024-02-01. Review status: criteria provided, single submitter. Criteria: CeGaT Center For Human Genetics Tuebingen Variant Classification Criteria Version 2. Collection method: clinical testing. Allele origin: germline. Affected: yes. Observed: 1 variant allele.
Comment: TTN: PM2:Supporting, BP4

ARUP Laboratories, Molecular Genetics and Genomics, ARUP Laboratories
Classification: Uncertain significance. Last evaluated: 2023-01-03. Review status: criteria provided, single submitter. Criteria: ARUP Molecular Germline Variant Investigation Process 2024. Collection method: clinical testing. Allele origin: germline.
Comment: The TTN c.54167G>A; p.Arg18056Gln variant (rs376932266; ClinVar Variation ID: 47084) is rare in the general population (<0.2% allele frequency in the Genome Aggregation Database) and has not been reported in the medical literature in association with dilated cardiomyopathy (DCM) or other TTN-related disease. The clinical relevance of rare missense variants in this gene, which are identified on average once per individual sequenced in affected populations (Herman 2012), is not well understood. Yet, evidence suggests that the vast majority of such missense variants do not contribute to the clinical outcome of DCM (Begay 2015). Thus, the clinical significance of the p.Arg18056Gln variant cannot be determined with certainty.

Women's Health and Genetics/Laboratory Corporation of America, LabCorp
Classification: Uncertain significance. Last evaluated: 2022-12-27. Review status: criteria provided, single submitter. Criteria: LabCorp Variant Classification Summary - May 2015. Collection method: clinical testing. Allele origin: germline.
Comment: Variant summary: TTN c.46463G>A (p.Arg15488Gln) results in a conservative amino acid change located in the A-band region of the encoded protein sequence. Three of four in-silico tools predict a benign effect of the variant on protein function. The variant allele was found at a frequency of 1.3e-05 in 239712 control chromosomes (gnomAD). The available data on variant occurrences in the general population are insufficient to allow any conclusion about variant significance. c.46463G>A has been reported in the literature in an individual affected with Dilated Cardiomyopathy, however other potentially causative co-occurring variants were also identified in this patient (Pugh_2014). Therefore, these reports do not provide unequivocal conclusions about association of the variant with Dilated Cardiomyopathy. To our knowledge, no experimental evidence demonstrating an impact on protein function has been reported. Four ClinVar submitters (evaluation after 2014) have cited the variant, and all laboratories classified the variant as uncertain significance. Based on the evidence outlined above, the variant was classified as uncertain significance.

Fulgent Genetics
Classification: Uncertain significance for Tibial muscular dystrophy; Myopathy, myofibrillar, 9, with early respiratory failure; Dilated cardiomyopathy 1G; Autosomal recessive limb-girdle muscular dystrophy type 2J; Early-onset myopathy with fatal cardiomyopathy; Hypertrophic cardiomyopathy 9. Last evaluated: 2021-10-30. Review status: criteria provided, single submitter. Criteria: ACMG Guidelines, 2015. Collection method: clinical testing. Allele origin: unknown.

Mayo Clinic Laboratories, Mayo Clinic
Classification: Uncertain significance. Last evaluated: 2021-10-26. Review status: criteria provided, single submitter. Criteria: ACMG Guidelines, 2015. Collection method: clinical testing. Allele origin: germline.

Athena Diagnostics
Classification: Uncertain significance. Last evaluated: 2018-09-28. Review status: criteria provided, single submitter. Criteria: Athena Diagnostics Criteria. Collection method: clinical testing. Allele origin: germline.

Labcorp Genetics (formerly Invitae), Labcorp
Classification: Uncertain significance for Dilated cardiomyopathy 1G; Autosomal recessive limb-girdle muscular dystrophy type 2J. Last evaluated: 2017-06-28. Review status: criteria provided, single submitter. Criteria: Invitae Variant Classification Sherloc (09022015). Collection method: clinical testing. Allele origin: germline.

Laboratory for Molecular Medicine, Mass General Brigham Personalized Medicine
Classification: Uncertain significance. Last evaluated: 2017-01-31. Review status: criteria provided, single submitter. Criteria: LMM Criteria. Collection method: clinical testing. Allele origin: germline. Observed: 2 variant alleles.
Comment: It has been identifi ed in 2/65398 of European chromosomes by the Exome Aggregation Consortium (ExAC; dbSNP rs376932266). Computational prediction to ols and conservation analysis suggest that this variant may impact the protein, though this information is not predictive enough to determine pathogenicity. In summary, the clinical significance of the p.Arg15488Gln variant is uncertain.

Literature cited by the submitters: PubMed 24503780 (cited by Women's Health and Genetics/Laboratory Corporation of America, LabCorp).